The following is an entry in ClinVar:

ClinVar aggregate classification (germline): Uncertain significance (1 of 4 stars; one submission).

Conditions:
Norman-Roberts syndrome (LIS2). Also called: Lissencephaly 2 (Norman-Roberts type). Identifiers: Orphanet 89844, MedGen C0796089, MONDO:0009760, OMIM 257320.
Familial temporal lobe epilepsy 7. Identifiers: Orphanet 101046, MedGen C4225327, MONDO:0014639, OMIM 616436.

Allele frequency attached by ClinVar (database versions not stated): gnomAD exomes below 0.00001.
gnomAD v4.1: 7 of 1,614,156 alleles (0.00043%); highest among the groups gnomAD compares: African/African-American, 0.0013%; no homozygotes.

Submission:

Labcorp Genetics (formerly Invitae), Labcorp
Classification: Uncertain significance for Familial temporal lobe epilepsy 7; Norman-Roberts syndrome. Last evaluated: 2024-02-01. Review status: criteria provided, single submitter. Criteria: Invitae Variant Classification Sherloc (09022015). Collection method: clinical testing. Allele origin: germline.
Comment: This sequence change replaces tyrosine, which is neutral and polar, with cysteine, which is neutral and slightly polar, at codon 2303 of the RELN protein (p.Tyr2303Cys). This variant is not present in population databases (gnomAD no frequency). This variant has not been reported in the literature in individuals affected with RELN-related conditions. Advanced modeling of protein sequence and biophysical properties (such as structural, functional, and spatial information, amino acid conservation, physicochemical variation, residue mobility, and thermodynamic stability) performed at Invitae indicates that this missense variant is not expected to disrupt RELN protein function with a negative predictive value of 80%. In summary, the available evidence is currently insufficient to determine the role of this variant in disease. Therefore, it has been classified as a Variant of Uncertain Significance.

NM_005045.4(RELN):c.6908A>G (p.Tyr2303Cys)

Gene: RELN (reelin; minus strand). Cytogenetic location: 7q22.1.
Variant type: single nucleotide variant.
Coding change: c.6908A>G on transcript NM_005045.4 (MANE Select); coding-DNA position 6908, A replaced by G.
Protein change: p.Tyr2303Cys; replaces tyrosine 2303 with cysteine.
Molecular consequence: missense variant.
Genome position (GRCh38, 1-based): chr7:103,540,219, T>C on the plus strand (A>G on the coding strand, the complement: RELN is on the minus strand). VCF-style: chr7-103540219-T-C. GRCh37 (hg19) VCF-style: chr7-103180666-T-C.
Other names: c.6908A>G, p.Tyr2303Cys (NM_173054.3); short protein forms Y2303C.
Identifiers: ClinVar variation 2939408 (VCV002939408.3), dbSNP rs1830147186, ClinGen allele CA368769698.